The following is an entry in ClinVar:

ClinVar aggregate classification (germline): Conflicting classifications of pathogenicity. Review status: criteria provided, conflicting classifications (1 of 4 stars). 3 submissions from 3 submitters: Uncertain significance (2); Benign (1). Last evaluated 2025-09-15.

Conditions:
Hereditary cancer-predisposing syndrome. Also called: Hereditary Cancer Syndrome; Neoplastic Syndromes, Hereditary; Hereditary neoplastic syndrome; Tumor predisposition. Identifiers: Orphanet 140162, MedGen C0027672, MeSH D009386, MONDO:0015356.
Familial adenomatous polyposis 2. Also called: COLORECTAL ADENOMATOUS POLYPOSIS, AUTOSOMAL RECESSIVE; ADENOMAS, MULTIPLE COLORECTAL, AUTOSOMAL RECESSIVE; MUTYH-associated polyposis; MUTYH Polyposis; Adenomas, multiple colorectal; MUTYH-related attenuated familial adenomatous polyposis. Identifiers: Orphanet 220460, Orphanet 247798, MedGen C3272841, MONDO:0012041, OMIM 608456.

Allele frequency attached by ClinVar (database versions not stated): TOPMed below 0.00001; gnomAD 0.00001.
gnomAD v4.1: 1 of 1,614,014 alleles (0.000062%); highest among the groups gnomAD compares: Admixed American, 0.0017%; no homozygotes.

Submissions (3):

Ambry Genetics
Classification: Benign for Hereditary cancer-predisposing syndrome. Last evaluated: 2025-09-15. Review status: criteria provided, single submitter. Criteria: Ambry Variant Classification Scheme 2023. Collection method: clinical testing. Allele origin: germline.

Labcorp Genetics (formerly Invitae), Labcorp
Classification: Uncertain significance for Familial adenomatous polyposis 2. Last evaluated: 2023-10-30. Review status: criteria provided, single submitter. Criteria: Invitae Variant Classification Sherloc (09022015). Collection method: clinical testing. Allele origin: germline.
Comment: This sequence change replaces lysine, which is basic and polar, with asparagine, which is neutral and polar, at codon 155 of the MUTYH protein (p.Lys155Asn). This variant is not present in population databases (gnomAD no frequency). This variant has not been reported in the literature in individuals affected with MUTYH-related conditions. ClinVar contains an entry for this variant (Variation ID: 1426427). An algorithm developed to predict the effect of missense changes on protein structure and function (PolyPhen-2) suggests that this variant is likely to be disruptive. In summary, the available evidence is currently insufficient to determine the role of this variant in disease. Therefore, it has been classified as a Variant of Uncertain Significance.

Baylor Genetics
Classification: Uncertain significance for Familial adenomatous polyposis 2. Last evaluated: 2023-10-17. Review status: criteria provided, single submitter. Criteria: ACMG Guidelines, 2015. Collection method: clinical testing. Allele origin: unknown.

NM_001048174.2(MUTYH):c.381G>T (p.Lys127Asn)

Gene: MUTYH (mutY DNA glycosylase; minus strand). Cytogenetic location: 1p34.1.
Variant type: single nucleotide variant.
Coding change: c.381G>T on transcript NM_001048174.2 (MANE Select); coding-DNA position 381, G replaced by T.
Protein change: p.Lys127Asn; replaces lysine 127 with asparagine.
Molecular consequence: missense variant. On other transcripts: non-coding transcript variant (2).
Genome position (GRCh38, 1-based): chr1:45,332,957, C>A on the plus strand (G>T on the coding strand, the complement: MUTYH is on the minus strand). VCF-style: chr1-45332957-C-A. GRCh37 (hg19) VCF-style: chr1-45798629-C-A.
Other names: c.381G>T, p.Lys127Asn (NM_001048171.2, NM_001048173.2, NM_001293195.2); c.384G>T, p.Lys128Asn (NM_001048172.2); c.465G>T, p.Lys155Asn (NM_001128425.2); c.426G>T, p.Lys142Asn (NM_001293190.2); c.414G>T, p.Lys138Asn (NM_001293191.2); c.105G>T, p.Lys35Asn (NM_001293192.2, NM_001293196.2); c.36G>T, p.Lys12Asn (NM_001350650.2, NM_001350651.2); c.456G>T, p.Lys152Asn (NM_012222.3); short protein forms K127N, K155N, K35N, K12N, K138N, K142N, K152N, K128N.
Identifiers: ClinVar variation 1426427 (VCV001426427.12), dbSNP rs878854190, ClinGen allele CA340136028.